The following is an entry in ClinVar:

ClinVar aggregate classification (germline): Conflicting classifications of pathogenicity. Review status: criteria provided, conflicting classifications (1 of 4 stars). 3 submissions from 3 submitters: Uncertain significance (2); Likely benign (1). Last evaluated 2025-08-31.

Conditions:
Inborn genetic diseases. Identifiers: MedGen C0950123, MeSH D030342.
Landau-Kleffner syndrome (FESD). Also called: EPILEPSY, FOCAL, WITH SPEECH DISORDER AND WITH OR WITHOUT MENTAL RETARDATION; APHASIA, ACQUIRED, WITH EPILEPSY. Identifiers: Orphanet 1945, Orphanet 725, Orphanet 98818, MedGen C0282512, MONDO:0009509, OMIM 245570.

Allele frequency attached by ClinVar (database versions not stated): gnomAD 0.00001; TOPMed 0.00001.
gnomAD v4.1: 2 of 1,614,018 alleles (0.00012%); highest among the groups gnomAD compares: Admixed American, 0.0017%; no homozygotes.

Submissions (3):

Labcorp Genetics (formerly Invitae), Labcorp
Classification: Likely benign for Landau-Kleffner syndrome. Last evaluated: 2025-08-31. Review status: criteria provided, single submitter. Criteria: Invitae Variant Classification Sherloc (09022015). Collection method: clinical testing. Allele origin: germline.

Ambry Genetics
Classification: Uncertain significance for Inborn genetic diseases. Last evaluated: 2023-04-14. Review status: criteria provided, single submitter. Criteria: Ambry Variant Classification Scheme 2023. Collection method: clinical testing. Allele origin: germline.

New York Genome Center
Classification: Uncertain significance for Landau-Kleffner syndrome. Last evaluated: 2019-10-10. Review status: criteria provided, single submitter. Criteria: NYGC Assertion Criteria 2020. Collection method: clinical testing. Allele origin: germline. Inheritance: Autosomal dominant inheritance. Observed: 1 heterozygote. Study: CSER-NYCKidSeq.
Comment: The c.3211C>T (p.His1071Tyr) variant identified in the GRIN2A gene substitutes a highly conserved Histidine for Tyrosine at amino acid 1071/1465 (coding exon 13/13). This variant is absent from gnomAD and ExAC, suggesting it is not a common benign variant in the populations represented in these databases. In silico algorithms predict this variant to be Neutral (Provean; score: 0.49) and Tolerated (SIFT; score:0.899) to the function of the canonical transcript. This variant is reported in ClinVar as Likely Benign (VarID:464058) by a single clincal lab, however the evidence supporting the Likely Benign classification is not available for our review. To our current knowledge this variant has not been reported in affected individuals in the literature. The p.His1071 residue is in the large C-terminal domain of GRIN2A. The majority of Pathogenic and Likely Pathogenic missense variants in GRIN2A are located in the ligand binding or transmembrane domians of the protein, which are N-terminal to the variant identified in this individual [PMID: 30544257], and missense variants in exon 14 are largely classified as Variants of Uncertain Significance in ClinVar. Given the lack of compelling information regarding the pathogenicity of the c.3211C>T (p.His1071Tyr) variant it is reported here as a Variant of Uncertain Significance.

NM_001134407.3(GRIN2A):c.3211C>T (p.His1071Tyr)

Gene: GRIN2A (glutamate ionotropic receptor NMDA type subunit 2A; minus strand). Cytogenetic location: 16p13.2.
Variant type: single nucleotide variant.
Coding change: c.3211C>T on transcript NM_001134407.3 (MANE Select); coding-DNA position 3211, C replaced by T.
Protein change: p.His1071Tyr; replaces histidine 1071 with tyrosine.
Molecular consequence: missense variant.
Genome position (GRCh38, 1-based): chr16:9,764,333, G>A on the plus strand (C>T on the coding strand, the complement: GRIN2A is on the minus strand). VCF-style: chr16-9764333-G-A. GRCh37 (hg19) VCF-style: chr16-9858190-G-A.
Other names: c.3211C>T, p.His1071Tyr (NM_000833.5, NM_001134408.2); c.3211C>T (NM_000833.3); short protein forms H1071Y.
Identifiers: ClinVar variation 464058 (VCV000464058.13), dbSNP rs1555482611, ClinGen allele CA394708372.